The following is an entry in ClinVar:

NM_002386.4(MC1R):c.926T>G (p.Leu309Arg)

Gene: MC1R (melanocortin 1 receptor; plus strand). Cytogenetic location: 16q24.3.
Variant type: single nucleotide variant.
Coding change: c.926T>G on transcript NM_002386.4 (MANE Select); coding-DNA position 926, T replaced by G.
Protein change: p.Leu309Arg; replaces leucine 309 with arginine.
Molecular consequence: missense variant.
Genome position (GRCh38, 1-based): chr16:89,920,184, T>G. VCF-style: chr16-89920184-T-G. GRCh37 (hg19) VCF-style: chr16-89986592-T-G.
Other names: short protein forms L309R.
Identifiers: ClinVar variation 4826606 (VCV004826606.1).
Genomic context (GRCh38, chr16:89,920,184, plus strand): 5'-GCAATGCCATCATCGACCCCCTCATCTACGCCTTCCACAGCCAGGAGCTCCGCAGGACGC[T>G]CAAGGAGGTGCTGACATGCTCCTGGTGAGCGCGGTGCACGCGGCTTTAAGTGTGCTGGGC-3'
Protein context (NP_002377.4, residues 299-317): AFHSQELRRT[Leu309Arg]KEVLTCSW

ClinVar aggregate classification (germline): Uncertain significance (1 of 4 stars; one submission).

gnomAD v4.1: 1 of 1,613,966 alleles (0.000062%); highest among the groups gnomAD compares: Middle Eastern, 0.016%; no homozygotes.

Submission:

Ambry Genetics
Classification: Uncertain significance. Last evaluated: 2026-03-07. Review status: criteria provided, single submitter. Criteria: Ambry Variant Classification Scheme 2023. Collection method: clinical testing. Allele origin: germline.
Comment: The p.L309R variant (also known as c.926T>G), located in coding exon 1 of the MC1R gene, results from a T to G substitution at nucleotide position 926. The leucine at codon 309 is replaced by arginine, an amino acid with dissimilar properties. This amino acid position is conserved. In addition, this alteration is predicted to be deleterious by in silico analysis. Based on the available evidence, the clinical significance of this variant remains unclear.